The following is an entry in ClinVar:

NM_000155.4(GALT):c.289A>G (p.Asn97Asp)

Gene: GALT (galactose-1-phosphate uridylyltransferase; plus strand). Cytogenetic location: 9p13.3.
Variant type: single nucleotide variant.
Coding change: c.289A>G on transcript NM_000155.4 (MANE Select); coding-DNA position 289, A replaced by G.
Protein change: p.Asn97Asp; replaces asparagine 97 with aspartic acid.
Molecular consequence: missense variant. On other transcripts: intron variant (1).
Genome position (GRCh38, 1-based): chr9:34,647,528, A>G. VCF-style: chr9-34647528-A-G. GRCh37 (hg19) VCF-style: chr9-34647525-A-G.
Other names: c.289A>G (NM_000155.3); c.50+270A>G (NM_001258332.2); short protein forms N97D.
Identifiers: ClinVar variation 593326 (VCV000593326.13), dbSNP rs1564100957, ClinGen allele CA373279233.

ClinVar aggregate classification (germline): Likely pathogenic. Review status: criteria provided, multiple submitters, no conflicts (2 of 4 stars). 3 submissions from 3 submitters: Likely pathogenic (3). Last evaluated 2026-01-23.

Conditions:
Galactosemia. Also called: Galactose intolerance. Identifiers: Orphanet 352, MedGen C0016952, MONDO:0018116, HP:0004919. Disease mechanism: loss of function.
Deficiency of UDPglucose-hexose-1-phosphate uridylyltransferase. Also called: GALACTOSEMIA I; Transferase Deficiency Galactosemia; GALACTOSE-1-PHOSPHATE URIDYLYLTRANSFERASE DEFICIENCY; GALT deficiency; Galactosemia, classic. Identifiers: Orphanet 352, Orphanet 79239, MedGen C0268151, MONDO:0009258, OMIM 230400.

Allele frequency attached by ClinVar (database versions not stated): gnomAD exomes below 0.00001.
gnomAD v4.1: 2 of 1,614,110 alleles (0.00012%); highest among the groups gnomAD compares: Non-Finnish European, 0.00017%; no homozygotes.

Submissions (3):

Natera, Inc.
Classification: Likely pathogenic for Galactosemia. Last evaluated: 2026-01-23. Review status: criteria provided, single submitter. Criteria: Natera Variant Classification Schema (03/2026). Collection method: clinical testing. Allele origin: germline.
Comment: The c.289A>G variant in GALT is a missense variant predicted to cause substitution of asparagine to aspartic acid at amino acid 97. This variant is rare in the general population with a frequency below the threshold expected for the associated phenotype(s). This variant has been observed in one or more individuals affected with the associated recessive disease, as either homozygous or compound heterozygous with a second variant (PMID: 22944367). A different variant at the same position has been determined to be Pathogenic or Likely Pathogenic. Computational prediction algorithms indicate this variant is likely to affect gene or protein function. Given the available evidence, this variant is classified as Likely Pathogenic.

Labcorp Genetics (formerly Invitae), Labcorp
Classification: Likely pathogenic for Deficiency of UDPglucose-hexose-1-phosphate uridylyltransferase. Last evaluated: 2021-05-05. Review status: criteria provided, single submitter. Criteria: Invitae Variant Classification Sherloc (09022015). Collection method: clinical testing. Allele origin: germline.
Comment: This sequence change replaces asparagine with aspartic acid at codon 97 of the GALT protein (p.Asn97Asp). The asparagine residue is highly conserved and there is a small physicochemical difference between asparagine and aspartic acid. This variant is not present in population databases (ExAC no frequency). This variant has been observed in individual(s) with galactosemia (PMID: 22944367). ClinVar contains an entry for this variant (Variation ID: 593326). Advanced modeling of protein sequence and biophysical properties (such as structural, functional, and spatial information, amino acid conservation, physicochemical variation, residue mobility, and thermodynamic stability) performed at Invitae indicates that this missense variant is expected to disrupt GALT protein function. In summary, the currently available evidence indicates that the variant is pathogenic, but additional data are needed to prove that conclusively. Therefore, this variant has been classified as Likely Pathogenic.

Eurofins Ntd Llc (ga)
Classification: Likely pathogenic. Last evaluated: 2017-07-20. Review status: criteria provided, single submitter. Criteria: EGL Classification Definitions 2015. Collection method: clinical testing. Allele origin: germline.

Literature cited by the submitters: PubMed 22944367 (cited by Natera, Inc. and Labcorp Genetics (formerly Invitae), Labcorp).